The following is an entry in ClinVar:

ClinVar aggregate classification (germline): Uncertain significance (1 of 4 stars; one submission).

Conditions:
Werner syndrome (WRN). Identifiers: Orphanet 902, MedGen C0043119, MONDO:0010196, OMIM 277700.

Submission:

Labcorp Genetics (formerly Invitae), Labcorp
Classification: Uncertain significance for Werner syndrome. Last evaluated: 2019-10-31. Review status: criteria provided, single submitter. Criteria: Invitae Variant Classification Sherloc (09022015). Collection method: clinical testing. Allele origin: germline.
Comment: In summary, the available evidence is currently insufficient to determine the role of this variant in disease. Therefore, it has been classified as a Variant of Uncertain Significance. Algorithms developed to predict the effect of missense changes on protein structure and function are either unavailable or do not agree on the potential impact of this missense change (SIFT: "Tolerated"; PolyPhen-2: "Probably Damaging"; Align-GVGD: "Class C0"). This variant has not been reported in the literature in individuals with WRN-related conditions. This variant is not present in population databases (ExAC no frequency). This sequence change replaces cysteine with glycine at codon 171 of the WRN protein (p.Cys171Gly). The cysteine residue is highly conserved and there is a large physicochemical difference between cysteine and glycine.

NM_000553.6(WRN):c.511T>G (p.Cys171Gly)

Gene: WRN (WRN RecQ like helicase; plus strand). Cytogenetic location: 8p12.
Variant type: single nucleotide variant.
Coding change: c.511T>G on transcript NM_000553.6 (MANE Select); coding-DNA position 511, T replaced by G.
Protein change: p.Cys171Gly; replaces cysteine 171 with glycine.
Molecular consequence: missense variant.
Genome position (GRCh38, 1-based): chr8:31,067,039, T>G. VCF-style: chr8-31067039-T-G. GRCh37 (hg19) VCF-style: chr8-30924555-T-G.
Other names: short protein forms C171G.
Identifiers: ClinVar variation 968242 (VCV000968242.5), dbSNP rs1812732898, ClinGen allele CA370915829.
Genomic context (GRCh38, chr8:31,067,039, plus strand): 5'-TAATACCTGAAAACAGGAACTGATTTTACTGTGTTGCTTTTTCATCATTTCTAGCTGAAA[T>G]GCACAGAGACCTGGAGCCTTAACAGTCTGGTTAAACACCTCTTAGGTAAACAGCTCCTGA-3'
Protein context (NP_000544.2, residues 161-181): LTDVANKKLK[Cys171Gly]TETWSLNSLV